The following is an entry in ClinVar:

ClinVar aggregate classification (germline): Likely benign (1 of 4 stars; one submission).

Submission:

CeGaT Center for Human Genetics Tuebingen
Classification: Likely benign. Last evaluated: 2022-09-01. Review status: criteria provided, single submitter. Criteria: CeGaT Center For Human Genetics Tuebingen Variant Classification Criteria Version 2. Collection method: clinical testing. Allele origin: germline. Affected: yes. Observed: 1 variant allele.
Comment: FLG: PM2:Supporting, BP4, BP7

NM_002016.2(FLG):c.9009C>G (p.Val3003=)

Genes: CCDST (cervical cancer associated DHX9 suppressive transcript; plus strand), FLG (filaggrin; minus strand). Cytogenetic location: 1q21.3.
Variant type: single nucleotide variant.
Coding change: c.9009C>G on transcript NM_002016.2 (MANE Select); coding-DNA position 9009, C replaced by G.
Protein change: p.Val3003=; no amino-acid change (valine 3003 retained).
Molecular consequence: synonymous variant.
Genome position (GRCh38, 1-based): chr1:152,305,877, G>C on the plus strand (C>G on the coding strand, the complement: FLG is on the minus strand). VCF-style: chr1-152305877-G-C. GRCh37 (hg19) VCF-style: chr1-152278353-G-C.
Identifiers: ClinVar variation 3026417 (VCV003026417.22), dbSNP rs1570897535, ClinGen allele CA420927485.